The following is an entry in ClinVar:

NM_001286445.3(RIPOR2):c.199_201delinsATAGGA (p.Phe67delinsIleGly)

Gene: RIPOR2 (RHO family interacting cell polarization regulator 2; minus strand). Cytogenetic location: 6p22.3.
Variant type: Indel.
Coding change: c.199_201delinsATAGGA on transcript NM_001286445.3 (MANE Select); coding-DNA positions 199 to 201, TTC replaced by ATAGGA.
Protein change: p.Phe67delinsIleGly.
Molecular consequence: inframe indel.
Genome position (GRCh38, 1-based): chr6:24,873,787-24,873,789, GAA replaced by TCCTAT on the plus strand (TTC replaced by ATAGGA on the coding strand, the reverse complement: RIPOR2 is on the minus strand). VCF-style: chr6-24873787-GAA-TCCTAT. GRCh37 (hg19) VCF-style: chr6-24874015-GAA-TCCTAT.
Other names: c.214_216delinsATAGGA, p.Phe72delinsIleGly (NM_001286446.3); c.112_114delinsATAGGA, p.Phe38delinsIleGly (NM_001286447.2, NM_001346031.2, NM_001346032.2 and 2 more transcripts).
Identifiers: ClinVar variation 3728468 (VCV003728468.2).

ClinVar aggregate classification (germline): Uncertain significance (1 of 4 stars; one submission).

Submission:

Labcorp Genetics (formerly Invitae), Labcorp
Classification: Uncertain significance. Last evaluated: 2025-01-02. Review status: criteria provided, single submitter. Criteria: Invitae Variant Classification Sherloc (09022015). Collection method: clinical testing. Allele origin: germline.
Comment: This variant, c.112_114delinsATAGGA, is a complex sequence change that results in the deletion of 1 and insertion of 2 amino acid(s) in the FAM65B protein (p.Phe38delinsIleGly). This variant is not present in population databases (gnomAD no frequency). This variant has not been reported in the literature in individuals affected with FAM65B-related conditions. Experimental studies and prediction algorithms are not available or were not evaluated, and the functional significance of this variant is currently unknown. In summary, the available evidence is currently insufficient to determine the role of this variant in disease. Therefore, it has been classified as a Variant of Uncertain Significance.